The following is an entry in ClinVar:

ClinVar aggregate classification (germline): Uncertain significance. Review status: criteria provided, multiple submitters, no conflicts (2 of 4 stars). 2 submissions from 2 submitters: Uncertain significance (2). Last evaluated 2025-08-04.

Allele frequency attached by ClinVar (database versions not stated): TOPMed 0.00002; ExAC 0.00003; gnomAD 0.00003; gnomAD exomes 0.00004.
gnomAD v4.1: 66 of 1,610,260 alleles (0.0041%); highest among the groups gnomAD compares: East Asian, 0.0045%; no homozygotes.

Submissions (2):

Labcorp Genetics (formerly Invitae), Labcorp
Classification: Uncertain significance. Last evaluated: 2025-08-04. Review status: criteria provided, single submitter. Criteria: Invitae Variant Classification Sherloc (09022015). Collection method: clinical testing. Allele origin: germline.
Comment: This sequence change replaces proline, which is neutral and non-polar, with leucine, which is neutral and non-polar, at codon 453 of the FGFRL1 protein (p.Pro453Leu). This variant is present in population databases (rs755567722, gnomAD 0.01%). This variant has not been reported in the literature in individuals affected with FGFRL1-related conditions. ClinVar contains an entry for this variant (Variation ID: 2888906). An algorithm developed to predict the effect of missense changes on protein structure and function outputs the following: PolyPhen-2: "Benign". The leucine amino acid residue is found in multiple mammalian species, which suggests that this missense change does not adversely affect protein function. In summary, the available evidence is currently insufficient to determine the role of this variant in disease. Therefore, it has been classified as a Variant of Uncertain Significance.

Ambry Genetics
Classification: Uncertain significance. Last evaluated: 2025-03-22. Review status: criteria provided, single submitter. Criteria: Ambry Variant Classification Scheme 2023. Collection method: clinical testing. Allele origin: germline.

NM_001004356.3(FGFRL1):c.1358C>T (p.Pro453Leu)

Gene: FGFRL1 (fibroblast growth factor receptor like 1; plus strand). Cytogenetic location: 4p16.3.
Variant type: single nucleotide variant.
Coding change: c.1358C>T on transcript NM_001004356.3 (MANE Select); coding-DNA position 1358, C replaced by T.
Protein change: p.Pro453Leu; replaces proline 453 with leucine.
Molecular consequence: missense variant.
Genome position (GRCh38, 1-based): chr4:1,025,190, C>T. VCF-style: chr4-1025190-C-T. GRCh37 (hg19) VCF-style: chr4-1018978-C-T.
Other names: c.1358C>T (NM_001004356.2); c.1358C>T, p.Pro453Leu (NM_001004358.1, NM_001370296.1, NM_021923.3); short protein forms P453L.
Identifiers: ClinVar variation 2888906 (VCV002888906.4), dbSNP rs755567722, ClinGen allele CA2803089.